The following is an entry in ClinVar:

ClinVar aggregate classification (germline): Uncertain significance (1 of 4 stars; one submission).

Submission:

Labcorp Genetics (formerly Invitae), Labcorp
Classification: Uncertain significance. Last evaluated: 2025-09-30. Review status: criteria provided, single submitter. Criteria: Invitae Variant Classification Sherloc (09022015). Collection method: clinical testing. Allele origin: germline.
Comment: This sequence change replaces methionine, which is neutral and non-polar, with isoleucine, which is neutral and non-polar, at codon 115 of the RHEB protein (p.Met115Ile). This variant is not present in population databases (gnomAD no frequency). This variant has not been reported in the literature in individuals affected with RHEB-related conditions. An algorithm developed to predict the effect of missense changes on protein structure and function (PolyPhen-2) suggests that this variant is likely to be tolerated. In summary, the available evidence is currently insufficient to determine the role of this variant in disease. Therefore, it has been classified as a Variant of Uncertain Significance.

NM_005614.4(RHEB):c.345G>T (p.Met115Ile)

Gene: RHEB (Ras homolog, mTORC1 binding; minus strand). Cytogenetic location: 7q36.1.
Variant type: single nucleotide variant.
Coding change: c.345G>T on transcript NM_005614.4 (MANE Select); coding-DNA position 345, G replaced by T.
Protein change: p.Met115Ile; replaces methionine 115 with isoleucine.
Molecular consequence: missense variant.
Genome position (GRCh38, 1-based): chr7:151,471,429, C>A on the plus strand (G>T on the coding strand, the complement: RHEB is on the minus strand). VCF-style: chr7-151471429-C-A. GRCh37 (hg19) VCF-style: chr7-151168515-C-A.
Other names: short protein forms M115I.
Identifiers: ClinVar variation 4727894 (VCV004727894.1).